The following is an entry in ClinVar:

ClinVar aggregate classification (germline): Uncertain significance (1 of 4 stars; one submission).

Allele frequency attached by ClinVar (database versions not stated): gnomAD exomes below 0.00001.
gnomAD v4.1: 1 of 1,612,308 alleles (0.000062%); no homozygotes.

Submission:

Labcorp Genetics (formerly Invitae), Labcorp
Classification: Uncertain significance. Last evaluated: 2023-12-22. Review status: criteria provided, single submitter. Criteria: Invitae Variant Classification Sherloc (09022015). Collection method: clinical testing. Allele origin: germline.
Comment: This sequence change falls in intron 17 of the BUB1 gene. It does not directly change the encoded amino acid sequence of the BUB1 protein. It affects a nucleotide within the consensus splice site. This variant is not present in population databases (gnomAD no frequency). This variant has not been reported in the literature in individuals affected with BUB1-related conditions. Variants that disrupt the consensus splice site are a relatively common cause of aberrant splicing (PMID: 17576681, 9536098). Algorithms developed to predict the effect of sequence changes on RNA splicing suggest that this variant may disrupt the consensus splice site. In summary, the available evidence is currently insufficient to determine the role of this variant in disease. Therefore, it has been classified as a Variant of Uncertain Significance.

Literature cited by the submitters: PubMed 17576681; PubMed 9536098.

NM_004336.5(BUB1):c.1964+3A>G

Gene: BUB1 (BUB1 mitotic checkpoint serine/threonine kinase; minus strand). Cytogenetic location: 2q13.
Variant type: single nucleotide variant.
Coding change: c.1964+3A>G on transcript NM_004336.5 (MANE Select); 3 bases into the intron after coding-DNA position 1964, A replaced by G.
Molecular consequence: intron variant.
Genome position (GRCh38, 1-based): chr2:110,653,433, T>C on the plus strand (A>G on the coding strand, the complement: BUB1 is on the minus strand). VCF-style: chr2-110653433-T-C. GRCh37 (hg19) VCF-style: chr2-111411010-T-C.
Other names: c.1904+3A>G (NM_001278616.2); c.1964+3A>G (NM_001278617.2).
Identifiers: ClinVar variation 2704630 (VCV002704630.3), dbSNP rs2467996302, ClinGen allele CA2577067964.